The following is an entry in ClinVar:

ClinVar aggregate classification (germline): Uncertain significance. Review status: criteria provided, multiple submitters, no conflicts (2 of 4 stars). 3 submissions from 3 submitters: Uncertain significance (3). Last evaluated 2023-04-11.

Conditions:
Inborn genetic diseases. Identifiers: MedGen C0950123, MeSH D030342.
Pyridoxine-dependent epilepsy (EPEO4). Also called: Pyridoxine-Dependent Epilepsy - ALDH7A1; EPILEPSY, EARLY-ONSET, 4, VITAMIN B6-DEPENDENT; PYRIDOXINE DEPENDENCY WITH SEIZURES; Pyridoxine-Dependent Seizures. Identifiers: Orphanet 3006, MedGen C1849508, MONDO:0009945, OMIM 266100. Disease mechanism: loss of function.

Allele frequency attached by ClinVar (database versions not stated): gnomAD exomes 0.00001; gnomAD 0.00001; TOPMed below 0.00001.

Submissions (3):

Genome-Nilou Lab
Classification: Uncertain significance for Pyridoxine-dependent epilepsy. Last evaluated: 2023-04-11. Review status: criteria provided, single submitter. Criteria: ACMG Guidelines, 2015. Collection method: clinical testing. Allele origin: germline. Affected: no.

Labcorp Genetics (formerly Invitae), Labcorp
Classification: Uncertain significance for Pyridoxine-dependent epilepsy. Last evaluated: 2021-08-31. Review status: criteria provided, single submitter. Criteria: Invitae Variant Classification Sherloc (09022015). Collection method: clinical testing. Allele origin: germline.
Comment: This sequence change replaces valine with methionine at codon 144 of the ALDH7A1 protein (p.Val144Met). The valine residue is highly conserved and there is a small physicochemical difference between valine and methionine. This variant is not present in population databases (ExAC no frequency). This variant has not been reported in the literature in individuals affected with ALDH7A1-related conditions. Algorithms developed to predict the effect of missense changes on protein structure and function are either unavailable or do not agree on the potential impact of this missense change (SIFT: "Deleterious"; PolyPhen-2: "Benign"; Align-GVGD: "Class C0"). In summary, the available evidence is currently insufficient to determine the role of this variant in disease. Therefore, it has been classified as a Variant of Uncertain Significance.

Ambry Genetics
Classification: Uncertain significance for Inborn genetic diseases. Last evaluated: 2018-10-18. Review status: criteria provided, single submitter. Criteria: Ambry Variant Classification Scheme 2023. Collection method: clinical testing. Allele origin: germline.
Comment: The p.V144M variant (also known as c.430G>A), located in coding exon 5 of the ALDH7A1 gene, results from a G to A substitution at nucleotide position 430. The valine at codon 144 is replaced by methionine, an amino acid with highly similar properties. This amino acid position is well conserved in available vertebrate species. In addition, this alteration is predicted to be tolerated by in silico analysis. Since supporting evidence is limited at this time, the clinical significance of this alteration remains unclear.

NM_001182.5(ALDH7A1):c.430G>A (p.Val144Met)

Gene: ALDH7A1 (aldehyde dehydrogenase 7 family member A1; minus strand). Cytogenetic location: 5q23.2.
Variant type: single nucleotide variant.
Coding change: c.430G>A on transcript NM_001182.5 (MANE Select); coding-DNA position 430, G replaced by A.
Protein change: p.Val144Met; replaces valine 144 with methionine.
Molecular consequence: missense variant.
Genome position (GRCh38, 1-based): chr5:126,582,938, C>T on the plus strand (G>A on the coding strand, the complement: ALDH7A1 is on the minus strand). VCF-style: chr5-126582938-C-T. GRCh37 (hg19) VCF-style: chr5-125918630-C-T.
Other names: c.346G>A, p.Val116Met (NM_001201377.2); c.430G>A, p.Val144Met (NM_001202404.2); short protein forms V144M, V116M.
Identifiers: ClinVar variation 640232 (VCV000640232.8), dbSNP rs1481441203, ClinGen allele CA360731882.